The following is an entry in ClinVar:

ClinVar aggregate classification (germline): Uncertain significance (1 of 4 stars; one submission).

Conditions:
Neurodevelopmental disorder and structural brain anomalies with or without seizures and spasticity. Identifiers: MedGen C5394423, MONDO:0030046, OMIM 618890.

Allele frequency attached by ClinVar (database versions not stated): gnomAD exomes 0.00002 and 0.00005; ExAC 0.00003; gnomAD 0.00003.
gnomAD v4.1: 77 of 1,609,216 alleles (0.0048%); highest among the groups gnomAD compares: Middle Eastern, 0.033%; no homozygotes.

Submission:

Labcorp Genetics (formerly Invitae), Labcorp
Classification: Uncertain significance. Last evaluated: 2026-01-05. Review status: criteria provided, single submitter. Criteria: Invitae Variant Classification Sherloc (09022015). Collection method: clinical testing. Allele origin: germline.
Comment: This sequence change replaces proline, which is neutral and non-polar, with serine, which is neutral and polar, at codon 1020 of the PTPN23 protein (p.Pro1020Ser). This variant is present in population databases (rs199854875, gnomAD 0.003%). This variant has not been reported in the literature in individuals affected with PTPN23-related conditions. ClinVar contains an entry for this variant (Variation ID: 1518885). An algorithm developed to predict the effect of missense changes on protein structure and function outputs the following: PolyPhen-2: "Possibly Damaging". The serine amino acid residue is found in multiple mammalian species, which suggests that this missense change does not adversely affect protein function. In summary, the available evidence is currently insufficient to determine the role of this variant in disease. Therefore, it has been classified as a Variant of Uncertain Significance.

NM_015466.4(PTPN23):c.3058C>T (p.Pro1020Ser)

Gene: PTPN23 (protein tyrosine phosphatase non-receptor type 23; plus strand). Cytogenetic location: 3p21.31.
Variant type: single nucleotide variant.
Coding change: c.3058C>T on transcript NM_015466.4 (MANE Select); coding-DNA position 3058, C replaced by T.
Protein change: p.Pro1020Ser; replaces proline 1020 with serine.
Molecular consequence: missense variant.
Genome position (GRCh38, 1-based): chr3:47,410,856, C>T. VCF-style: chr3-47410856-C-T. GRCh37 (hg19) VCF-style: chr3-47452346-C-T.
Other names: c.2680C>T, p.Pro894Ser (NM_001304482.2); c.3058C>T (NM_015466.3); short protein forms P894S, P1020S.
Identifiers: ClinVar variation 1518885 (VCV001518885.5), dbSNP rs199854875, ClinGen allele CA2366184.